The following is an entry in ClinVar:

NM_014290.3(TDRD7):c.912G>A (p.Lys304=)

Gene: TDRD7 (tudor domain containing 7; plus strand). Cytogenetic location: 9q22.33.
Variant type: single nucleotide variant.
Coding change: c.912G>A on transcript NM_014290.3 (MANE Select); coding-DNA position 912, G replaced by A.
Protein change: p.Lys304=; no amino-acid change (lysine 304 retained).
Molecular consequence: synonymous variant.
Genome position (GRCh38, 1-based): chr9:97,460,234, G>A. VCF-style: chr9-97460234-G-A. GRCh37 (hg19) VCF-style: chr9-100222516-G-A.
Other names: c.690G>A, p.Lys230= (NM_001302884.2).
Identifiers: ClinVar variation 364066 (VCV000364066.15), dbSNP rs78579695, ClinGen allele CA5146562.

ClinVar aggregate classification (germline): Benign. Review status: criteria provided, multiple submitters, no conflicts (2 of 4 stars). 4 submissions from 4 submitters: Benign (4). Last evaluated 2025-12-23.

Conditions:
Cataract 36. Identifiers: MedGen C3151304, MONDO:0013484, OMIM 613887.

Allele frequency attached by ClinVar (database versions not stated): gnomAD exomes 0.00084 and 0.00229; ExAC 0.00280; gnomAD 0.00867 and 0.00950; 1000 Genomes Project 0.00919; TOPMed 0.00986; ESP Exome Variant Server 0.00992; 1000 Genomes Project 30x 0.00999.
gnomAD v4.1: 2,580 of 1,614,190 alleles (0.16%); highest among the groups gnomAD compares: African/African-American, 3.1%; 43 homozygotes.

Submissions (4):

Labcorp Genetics (formerly Invitae), Labcorp
Classification: Benign for Cataract 36. Last evaluated: 2025-12-23. Review status: criteria provided, single submitter. Criteria: Invitae Variant Classification Sherloc (09022015). Collection method: clinical testing. Allele origin: germline.

GeneDx
Classification: Benign. Last evaluated: 2020-02-04. Review status: criteria provided, single submitter. Criteria: GeneDx Variant Classification Process June 2021. Collection method: clinical testing. Allele origin: germline. Affected: yes.

Illumina Laboratory Services, Illumina
Classification: Benign for Cataract 36. Last evaluated: 2018-01-12. Review status: criteria provided, single submitter. Criteria: ICSL Variant Classification Criteria 13 December 2019. Collection method: clinical testing. Allele origin: germline.
Comment: This variant was observed in the ICSL laboratory as part of a predisposition screen in an ostensibly healthy population. It had not been previously curated by ICSL or reported in the Human Gene Mutation Database (HGMD: prior to June 1st, 2018), and was therefore a candidate for classification through an automated scoring system. Utilizing variant allele frequency, disease prevalence and penetrance estimates, and inheritance mode, an automated score was calculated to assess if this variant is too frequent to cause the disease. Based on the score and internal cut-off values, a variant classified as benign is not then subjected to further curation. The score for this variant resulted in a classification of benign for this disease.

Breakthrough Genomics
Classification: Benign. Review status: criteria provided, single submitter. Criteria: ACMG Guidelines, 2015. Collection method: not provided. Allele origin: germline. Inheritance: Autosomal recessive inheritance. Affected: yes.